The following is an entry in ClinVar:

ClinVar aggregate classification (germline): Pathogenic. Review status: criteria provided, multiple submitters, no conflicts (2 of 4 stars). 3 submissions from 3 submitters: Pathogenic (3). Last evaluated 2025-07-30.

Conditions:
Hereditary nonpolyposis colorectal neoplasms. Identifiers: MedGen C0009405, MeSH D003123.
Lynch syndrome 5 (LYNCH5). Also called: Colorectal cancer, hereditary nonpolyposis, type 5; Hereditary non-polyposis colorectal cancer, type 5. Identifiers: Orphanet 144, MedGen C1833477, MONDO:0013710, OMIM 614350. Disease mechanism: loss of function.
Hereditary cancer-predisposing syndrome. Also called: Neoplastic Syndromes, Hereditary; Hereditary Cancer Syndrome; Tumor predisposition; Hereditary neoplastic syndrome. Identifiers: Orphanet 140162, MedGen C0027672, MeSH D009386, MONDO:0015356.

Submissions (3):

Ambry Genetics
Classification: Pathogenic for Hereditary cancer-predisposing syndrome. Last evaluated: 2025-07-30. Review status: criteria provided, single submitter. Criteria: Ambry Variant Classification Scheme 2023. Collection method: clinical testing. Allele origin: germline.
Comment: The c.3962_3965dupGAGA pathogenic mutation, located in coding exon 9 of the MSH6 gene, results from a duplication of GAGA at nucleotide position 3962, causing a translational frameshift with a predicted alternate stop codon (p.F1323Rfs*3). This alteration occurs at the 3' terminus of theMSH6 gene, is not expected to trigger nonsense-mediated mRNA decay, and impacts the last 3% of the protein. However, premature stop codons are typically deleterious in nature and the impacted region is critical for protein function (Ambry internal data). This variant is considered to be rare based on population cohorts in the Genome Aggregation Database (gnomAD). Based on the supporting evidence, this variant is interpreted as a disease-causing mutation.

Myriad Genetics, Inc.
Classification: Pathogenic for Lynch syndrome 5. Last evaluated: 2023-07-25. Review status: criteria provided, single submitter. Criteria: Myriad Autosomal Dominant, Autosomal Recessive and X-Linked Classification Criteria (2023). Collection method: clinical testing. Allele origin: unknown.
Comment: This variant is considered pathogenic. This variant creates a frameshift predicted to result in premature protein truncation.

Labcorp Genetics (formerly Invitae), Labcorp
Classification: Pathogenic for Hereditary nonpolyposis colorectal neoplasms. Last evaluated: 2019-10-02. Review status: criteria provided, single submitter. Criteria: Invitae Variant Classification Sherloc (09022015). Collection method: clinical testing. Allele origin: germline.
Comment: This sequence change results in a premature translational stop signal in the MSH6 gene (p.Phe1323Argfs*3). While this is not anticipated to result in nonsense mediated decay, it is expected to disrupt the last 38 amino acids of the MSH6 protein. This variant is not present in population databases (ExAC no frequency). This variant has not been reported in the literature in individuals with MSH6-related conditions. This variant disrupts the C-terminus of the MSH6 protein. Other variant(s) that disrupt this region (p.Leu1330Valfs*12, p.Arg1334Ilefs*8) have been determined to be pathogenic (PMID: 19851887, 21155762, Invitae). This suggests that variants that disrupt this region of the protein are likely to be causative of disease. For these reasons, this variant has been classified as Pathogenic.

Literature cited by the submitters: PubMed 19851887 (cited by Labcorp Genetics (formerly Invitae), Labcorp); PubMed 21155762 (cited by Labcorp Genetics (formerly Invitae), Labcorp).

NM_000179.3(MSH6):c.3962_3965dup (p.Phe1323fs)

Gene: MSH6 (mutS homolog 6; plus strand). Cytogenetic location: 2p16.3.
Variant type: Microsatellite.
Coding change: c.3962_3965dup on transcript NM_000179.3 (MANE Select); coding-DNA positions 3962 to 3965, 4 bases duplicated (GAGA; older notation c.3962_3965dupGAGA).
Protein change: p.Phe1323fs; shifts the reading frame from phenylalanine 1323.
Molecular consequence: frameshift variant.
Genome position (GRCh38, 1-based): chr2:47,806,612-47,806,615, GAGA duplicated; duplicating any 4 consecutive bases within chr2:47,806,611-47,806,615 gives the same sequence; the c. name uses the placement nearest the transcript's 3' end. VCF-style (leftmost placement, unchanged base first): chr2-47806610-A-AAGAG. GRCh37 (hg19) VCF-style: chr2-48033749-A-AAGAG.
Other names: c.3572_3575dup, p.Phe1193fs (NM_001281492.2); c.3056_3059dup, p.Phe1021fs (NM_001281493.2, NM_001281494.2); c.3962_3965dupGAGA (NM_000179.2); short protein forms F1323fs, F1021fs, F1193fs.
Identifiers: ClinVar variation 971071 (VCV000971071.14), dbSNP rs1670140478, ClinGen allele CA2496054330.